The following is an entry in ClinVar:

ClinVar aggregate classification (germline): Uncertain significance (1 of 4 stars; one submission).

Conditions:
Intellectual disability-facial dysmorphism syndrome due to SETD5 haploinsufficiency (MRD23). Also called: Intellectual developmental disorder, autosomal dominant 23. Identifiers: Orphanet 404440, MedGen C3810406, MONDO:0014336, OMIM 615761.

gnomAD v4.1: 6 of 1,613,982 alleles (0.00037%); highest among the groups gnomAD compares: Middle Eastern, 0.016%; no homozygotes.

Submission:

Pittsburgh Clinical Genomics Laboratory, University of Pittsburgh Medical Center
Classification: Uncertain significance for Intellectual disability-facial dysmorphism syndrome due to SETD5 haploinsufficiency. Last evaluated: 2023-07-11. Review status: criteria provided, single submitter. Criteria: ACMG Guidelines, 2015. Collection method: clinical testing. Allele origin: germline. Inheritance: Autosomal dominant inheritance. Affected: yes.
Comment: This sequence variant is a single nucleotide substitution (C>T) at position 2201 of the coding sequence of the SETD5 gene that results in a threonine to methionine amino acid change at residue 734 of the SET domain containing 5 protein. This variant is absent from ClinVar. This variant is present in 2 of 249242 alleles (0.0008%) in the gnomAD population dataset. Multiple bioinformatic tools predict that this threonine to methionine amino acid change would be damaging, and the Thr734 residue at this position is highly conserved across the vertebrate species examined. Studies examining the functiol consequence of this variant have not been performed, to our knowledge. At this time, there is insufficient evidence to determine if this variant is pathogenic or benign. Therefore, we consider this a variant of uncertain significance. ACMG Criteria: BP1, PM2, PP3

NM_001080517.3(SETD5):c.2201C>T (p.Thr734Met)

Gene: SETD5 (SET domain containing 5; plus strand). Cytogenetic location: 3p25.3.
Variant type: single nucleotide variant.
Coding change: c.2201C>T on transcript NM_001080517.3 (MANE Select); coding-DNA position 2201, C replaced by T.
Protein change: p.Thr734Met; replaces threonine 734 with methionine.
Molecular consequence: missense variant.
Genome position (GRCh38, 1-based): chr3:9,448,485, C>T. VCF-style: chr3-9448485-C-T. GRCh37 (hg19) VCF-style: chr3-9490169-C-T.
Other names: c.1907C>T, p.Thr636Met (NM_001292043.2, NM_001349451.2); short protein forms T636M, T734M.
Identifiers: ClinVar variation 3376308 (VCV003376308.1).